The following is an entry in ClinVar:

NM_025176.6(NINL):c.628G>A (p.Val210Met)

Gene: NINL (ninein like; minus strand). Cytogenetic location: 20p11.21.
Variant type: single nucleotide variant.
Coding change: c.628G>A on transcript NM_025176.6 (MANE Select); coding-DNA position 628, G replaced by A.
Protein change: p.Val210Met; replaces valine 210 with methionine.
Molecular consequence: missense variant.
Genome position (GRCh38, 1-based): chr20:25,504,968, C>T on the plus strand (G>A on the coding strand, the complement: NINL is on the minus strand). VCF-style: chr20-25504968-C-T. GRCh37 (hg19) VCF-style: chr20-25485604-C-T.
Other names: c.628G>A, p.Val210Met (NM_001318226.2); short protein forms V210M.
Identifiers: ClinVar variation 2379358 (VCV002379358.16), dbSNP rs143641080, ClinGen allele CA9798021.
Genomic context (GRCh38, chr20:25,504,968, plus strand): 5'-GCCCGACGCTCTGGCAGACCACAGCCAGCTCCTGCTCGCTCAGGTGTCCGCTGCTGCCCA[C>T]CCCCAGCTCTTCCCACACGCCCCGGATCTGGCTCTCTGGGGTGTCAAAGGAGGGGCTGCA-3'
Protein context (NP_079452.3, residues 200-220): QIRGVWEELG[Val210Met]GSSGHLSEQE

ClinVar aggregate classification (germline): Conflicting classifications of pathogenicity. Review status: criteria provided, conflicting classifications (1 of 4 stars). 2 submissions from 2 submitters: Uncertain significance (1); Likely benign (1). Last evaluated 2024-10-01.

Allele frequency attached by ClinVar (database versions not stated): 1000 Genomes Project 30x 0.00031; 1000 Genomes Project 0.00040; TOPMed 0.00068; gnomAD 0.00071; ESP Exome Variant Server 0.00085; gnomAD exomes 0.00089.
gnomAD v4.1: 1,445 of 1,613,484 alleles (0.09%); highest among the groups gnomAD compares: Middle Eastern, 0.12%; 3 homozygotes.

Submissions (2):

CeGaT Center for Human Genetics Tuebingen
Classification: Likely benign. Last evaluated: 2024-10-01. Review status: criteria provided, single submitter. Criteria: CeGaT Center For Human Genetics Tuebingen Variant Classification Criteria Version 2. Collection method: clinical testing. Allele origin: germline. Affected: yes. Observed: 1 variant allele.
Comment: NINL: BP4

Ambry Genetics
Classification: Uncertain significance. Last evaluated: 2021-10-12. Review status: criteria provided, single submitter. Criteria: Ambry Variant Classification Scheme 2023. Collection method: clinical testing. Allele origin: germline.